The following is an entry in ClinVar:

ClinVar aggregate classification (germline): Uncertain significance (1 of 4 stars; one submission).

Submission:

GeneDx
Classification: Uncertain significance. Last evaluated: 2022-04-27. Review status: criteria provided, single submitter. Criteria: GeneDx Variant Classification Process June 2021. Collection method: clinical testing. Allele origin: germline. Affected: yes.
Comment: In-frame duplication of 2 amino acids in a repetitive region with no known function; Has not been previously published as pathogenic or benign to our knowledge

NM_001303052.2(MYT1L):c.459AGAGGA[3] (p.Glu167_Asn168insGluGlu)

Gene: MYT1L (myelin transcription factor 1 like; minus strand). Cytogenetic location: 2p25.3.
Variant type: Microsatellite.
Coding change: c.459AGAGGA[3] on transcript NM_001303052.2 (MANE Select); three copies in a row of the 6-base unit AGAGGA starting at c.459; the reference has two copies in a row; one copy, 6 bases duplicated.
Protein change: p.Glu167_Asn168insGluGlu.
Molecular consequence: inframe insertion.
Genome position (GRCh38, 1-based): chr2:1,943,017-1,943,022, TCCTCT duplicated on the plus strand (AGAGGA on the coding strand, the reverse complement: MYT1L is on the minus strand); duplicating any 6 consecutive bases within chr2:1,943,017-1,943,030 gives the same sequence; the position shown is the placement nearest the transcript's 3' end. VCF-style (leftmost placement, unchanged base first): chr2-1943016-C-CTCCTCT. GRCh37 (hg19) VCF-style: chr2-1946788-C-CTCCTCT.
Other names: c.459AGAGGA[3], p.Glu167_Asn168insGluGlu (NM_001329848.1, NM_001329849.3, NM_001329851.3 and 6 more transcripts).
Identifiers: ClinVar variation 1712695 (VCV001712695.2), dbSNP rs751219869, ClinGen allele CA530846940.
Genomic context (GRCh38, chr2:1,943,016, plus strand): 5'-TACTTTGCTAATATTTTAAAGATTACCGTTTTCTTCTTCCTCTTCCTCCTCCTCCTCCTC[C>CTCCTCT]TCCTCTTCCTCTTCTTCATCCTCCACATCTTCTCCATCCTCGTCATCGTCCTCATCCTCC-3'